The following is an entry in ClinVar:

ClinVar aggregate classification (germline): Uncertain significance (1 of 4 stars; one submission).

Allele frequency attached by ClinVar (database versions not stated): gnomAD exomes below 0.00001.
gnomAD v4.1: 1 of 1,613,246 alleles (0.000062%); highest among the groups gnomAD compares: Non-Finnish European, 0.000085%; no homozygotes.

Submission:

Labcorp Genetics (formerly Invitae), Labcorp
Classification: Uncertain significance. Last evaluated: 2022-07-19. Review status: criteria provided, single submitter. Criteria: Invitae Variant Classification Sherloc (09022015). Collection method: clinical testing. Allele origin: germline.
Comment: Algorithms developed to predict the effect of missense changes on protein structure and function (SIFT, PolyPhen-2, Align-GVGD) all suggest that this variant is likely to be tolerated. This variant has not been reported in the literature in individuals affected with PPP2R5D-related conditions. This variant is not present in population databases (gnomAD no frequency). This sequence change replaces phenylalanine, which is neutral and non-polar, with leucine, which is neutral and non-polar, at codon 216 of the PPP2R5D protein (p.Phe216Leu). In summary, the available evidence is currently insufficient to determine the role of this variant in disease. Therefore, it has been classified as a Variant of Uncertain Significance.

NM_006245.4(PPP2R5D):c.648C>G (p.Phe216Leu)

Gene: PPP2R5D (protein phosphatase 2 regulatory subunit B'delta; plus strand). Cytogenetic location: 6p21.1.
Variant type: single nucleotide variant.
Coding change: c.648C>G on transcript NM_006245.4 (MANE Select); coding-DNA position 648, C replaced by G.
Protein change: p.Phe216Leu; replaces phenylalanine 216 with leucine.
Molecular consequence: missense variant.
Genome position (GRCh38, 1-based): chr6:43,007,428, C>G. VCF-style: chr6-43007428-C-G. GRCh37 (hg19) VCF-style: chr6-42975166-C-G.
Other names: c.195C>G, p.Phe65Leu (NM_001270476.2); c.552C>G, p.Phe184Leu (NM_180976.3); c.330C>G, p.Phe110Leu (NM_180977.3); short protein forms F110L, F184L, F216L, F65L.
Identifiers: ClinVar variation 1718662 (VCV001718662.5), dbSNP rs2532476475, ClinGen allele CA364186086.